The following is an entry in ClinVar:

ClinVar aggregate classification (germline): Uncertain significance (1 of 4 stars; one submission).

Conditions:
Wilson disease (WND). Also called: Wilson's disease. Identifiers: Orphanet 905, MedGen C0019202, MONDO:0010200, OMIM 277900. Disease mechanism: loss of function.

Submission:

Labcorp Genetics (formerly Invitae), Labcorp
Classification: Uncertain significance for Wilson disease. Last evaluated: 2022-04-11. Review status: criteria provided, single submitter. Criteria: Invitae Variant Classification Sherloc (09022015). Collection method: clinical testing. Allele origin: germline.
Comment: In summary, the available evidence is currently insufficient to determine the role of this variant in disease. Therefore, it has been classified as a Variant of Uncertain Significance. Algorithms developed to predict the effect of missense changes on protein structure and function are either unavailable or do not agree on the potential impact of this missense change (SIFT: "Tolerated"; PolyPhen-2: "Probably Damaging"; Align-GVGD: "Class C0"). This missense change has been observed in individual(s) with Wilson disease (PMID: 22677543). This variant is not present in population databases (gnomAD no frequency). This sequence change replaces alanine, which is neutral and non-polar, with valine, which is neutral and non-polar, at codon 1309 of the ATP7B protein (p.Ala1309Val).

Literature cited by the submitters: PubMed 22677543.

NM_000053.4(ATP7B):c.3926C>T (p.Ala1309Val)

Gene: ATP7B (ATPase copper transporting beta; minus strand). Cytogenetic location: 13q14.3.
Variant type: single nucleotide variant.
Coding change: c.3926C>T on transcript NM_000053.4 (MANE Select); coding-DNA position 3926, C replaced by T.
Protein change: p.Ala1309Val; replaces alanine 1309 with valine.
Molecular consequence: missense variant.
Genome position (GRCh38, 1-based): chr13:51,937,371, G>A on the plus strand (C>T on the coding strand, the complement: ATP7B is on the minus strand). VCF-style: chr13-51937371-G-A. GRCh37 (hg19) VCF-style: chr13-52511507-G-A.
Other names: c.3305C>T, p.Ala1102Val (NM_001005918.3); c.3593C>T, p.Ala1198Val (NM_001243182.2); c.3692C>T, p.Ala1231Val (NM_001330578.2, NM_001406528.1, NM_001406527.1); c.3674C>T, p.Ala1225Val (NM_001330579.2, NM_001406531.1, NM_001406532.1); c.3920C>T, p.Ala1307Val (NM_001406513.1); c.3893C>T, p.Ala1298Val (NM_001406514.1); c.3686C>T, p.Ala1229Val (NM_001406530.1); c.3926C>T, p.Ala1309Val (NM_001406511.1, NM_001406512.1); and 21 more; short protein forms A1093V, A1115V, A1147V, A1199V, A1231V, A1250V, A1264V, A1291V.
Identifiers: ClinVar variation 2137510 (VCV002137510.4), dbSNP rs2547565241, ClinGen allele CA388021192.
Genomic context (GRCh38, chr13:51,937,371, plus strand): 5'-AGTGCCAGGACCAGGTTGATGCGTATCCTTCGGACAGTCCTCTTGGAAAGGTGAATGCTA[G>A]CCACCACATCCAGCAAATCATTCTGATGGAGAGGAGCACACAGTGAGGAAGGGGTCTGCC-3'
Protein context (NP_000044.2, residues 1299-1319): LIRNDLLDVV[Ala1309Val]SIHLSKRTVR